The following is an entry in ClinVar:

ClinVar aggregate classification (germline): Benign/Likely benign. Review status: criteria provided, multiple submitters, no conflicts (2 of 4 stars). 3 submissions from 3 submitters: Benign (1); Likely benign (2). Last evaluated 2026-09-01.

Allele frequency attached by ClinVar (database versions not stated): 1000 Genomes Project 30x 0.00609; 1000 Genomes Project 0.00619; TOPMed 0.00893; gnomAD 0.00900 and 0.00906; ESP Exome Variant Server 0.00953; gnomAD exomes 0.01051 and 0.01081; ExAC 0.01069.
gnomAD v4.1: 17,176 of 1,608,020 alleles (1.1%); highest among the groups gnomAD compares: Middle Eastern, 2.8%; 108 homozygotes.

Submissions (3):

CeGaT Center for Human Genetics Tuebingen
Classification: Benign. Last evaluated: 2026-09-01. Review status: criteria provided, single submitter. Criteria: CeGaT Center For Human Genetics Tuebingen Variant Classification Criteria Version 2. Collection method: clinical testing. Allele origin: germline. Affected: yes. Observed: 30 variant alleles.
Comment: SYNE1: BS1, BS2

GeneDx
Classification: Likely benign. Last evaluated: 2018-06-16. Review status: criteria provided, single submitter. Criteria: GeneDx Variant Classification (06012015). Collection method: clinical testing. Allele origin: germline. Affected: yes.
Comment: This variant is considered likely benign or benign based on one or more of the following criteria: it is a conservative change, it occurs at a poorly conserved position in the protein, it is predicted to be benign by multiple in silico algorithms, and/or has population frequency not consistent with disease.

Breakthrough Genomics
Classification: Likely benign. Review status: criteria provided, single submitter. Criteria: ACMG Guidelines, 2015. Collection method: not provided. Allele origin: germline. Inheritance: Autosomal recessive inheritance. Affected: yes.

NM_182961.4(SYNE1):c.2892+21A>G

Gene: SYNE1 (spectrin repeat containing nuclear envelope protein 1; minus strand). Cytogenetic location: 6q25.2.
Variant type: single nucleotide variant.
Coding change: c.2892+21A>G on transcript NM_182961.4 (MANE Select); 21 bases into the intron after coding-DNA position 2892, A replaced by G.
Molecular consequence: intron variant.
Genome position (GRCh38, 1-based): chr6:152,455,405, T>C on the plus strand (A>G on the coding strand, the complement: SYNE1 is on the minus strand). VCF-style: chr6-152455405-T-C. GRCh37 (hg19) VCF-style: chr6-152776540-T-C.
Other names: c.2913+21A>G (NM_033071.5).
Identifiers: ClinVar variation 675453 (VCV000675453.25), dbSNP rs148626610, ClinGen allele CA4059004.